The following is an entry in ClinVar:

NM_000108.5(DLD):c.*947G>T

Gene: DLD (dihydrolipoamide dehydrogenase; plus strand). Cytogenetic location: 7q31.1.
Variant type: single nucleotide variant.
Coding change: c.*947G>T on transcript NM_000108.5 (MANE Select); 947 bases downstream of the stop codon, G replaced by T.
Molecular consequence: 3 prime UTR variant.
Genome position (GRCh38, 1-based): chr7:107,920,206, G>T. VCF-style: chr7-107920206-G-T. GRCh37 (hg19) VCF-style: chr7-107560651-G-T.
Other names: c.*947G>T (NM_001289750.1, NM_001289751.1, NM_001289752.1).
Identifiers: ClinVar variation 358583 (VCV000358583.6), dbSNP rs7777259, ClinGen allele CA10622972.

ClinVar aggregate classification (germline): Benign. Review status: criteria provided, multiple submitters, no conflicts (2 of 4 stars). 4 submissions from 2 submitters: Benign (4). Last evaluated 2018-01-13.

Conditions:
Pyruvate dehydrogenase E3 deficiency (DLDD). Also called: Lipoamide dehydrogenase deficiency, lactic acidosis due to; Lipoamide dehydrogenase deficiency; Dihydrolipoamide Dehydrogenase (E3) Deficiency; MAPLE SYRUP URINE DISEASE, TYPE III; DLD DEFICIENCY; E3 DEFICIENCY. Identifiers: Orphanet 2394, Orphanet 765, MedGen C5574660, MONDO:0009529, OMIM 246900.
Leigh syndrome (NULS). Also called: Subacute necrotizing encephalopathy; Necrotizing encephalopathy infantile subacute of Leigh; Leigh's syndrome; Leigh Disease; Leigh's necrotizing encephalopathy; Leigh's disease. Identifiers: Orphanet 506, MedGen C2931891, MONDO:0009723, OMIM 256000.
Pyruvate dehydrogenase complex deficiency (PDHC). Also called: Pyruvate dehydrogenase deficiency; Ataxia with lactic acidosis 1; PYRUVATE DECARBOXYLASE DEFICIENCY; PDH DEFICIENCY; Pyruvate Dehydrogenase Complex Deficiency Disease. Identifiers: Orphanet 765, Orphanet 79243, MedGen C0034345, MONDO:0019169.

Allele frequency attached by ClinVar (database versions not stated): 1000 Genomes Project 30x 0.26593; 1000 Genomes Project 0.27236; TOPMed 0.30192; gnomAD exomes 0.38028.
gnomAD v4.1: 47,773 of 152,182 alleles (31%); highest among the groups gnomAD compares: Non-Finnish European, 41%; 8,887 homozygotes.

Submissions (4):

Illumina Laboratory Services, Illumina
Classification: Benign for Leigh syndrome. Last evaluated: 2018-01-13. Review status: criteria provided, single submitter. Criteria: ICSL Variant Classification Criteria 13 December 2019. Collection method: clinical testing. Allele origin: germline.
Comment: This variant was observed in the ICSL laboratory as part of a predisposition screen in an ostensibly healthy population. It had not been previously curated by ICSL or reported in the Human Gene Mutation Database (HGMD: prior to June 1st, 2018), and was therefore a candidate for classification through an automated scoring system. Utilizing variant allele frequency, disease prevalence and penetrance estimates, and inheritance mode, an automated score was calculated to assess if this variant is too frequent to cause the disease. Based on the score and internal cut-off values, a variant classified as benign is not then subjected to further curation. The score for this variant resulted in a classification of benign for this disease.

Illumina Laboratory Services, Illumina
Classification: Benign for Pyruvate dehydrogenase complex deficiency. Last evaluated: 2018-01-13. Review status: criteria provided, single submitter. Criteria: ICSL Variant Classification Criteria 13 December 2019. Collection method: clinical testing. Allele origin: germline.
Comment: the same text as in the submission from Illumina Laboratory Services, Illumina above.

Illumina Laboratory Services, Illumina
Classification: Benign for Pyruvate dehydrogenase E3 deficiency. Last evaluated: 2018-01-13. Review status: criteria provided, single submitter. Criteria: ICSL Variant Classification Criteria 13 December 2019. Collection method: clinical testing. Allele origin: germline.
Comment: the same text as in the submission from Illumina Laboratory Services, Illumina above.

Breakthrough Genomics
Classification: Benign. Review status: criteria provided, single submitter. Criteria: ACMG Guidelines, 2015. Collection method: not provided. Allele origin: germline. Inheritance: Autosomal recessive inheritance. Affected: yes.